The following is an entry in ClinVar:

NM_173348.2(FAM149B1):c.1482C>T (p.Pro494=)

Genes: DNAJC9 (DnaJ heat shock protein family (Hsp40) member C9; minus strand), FAM149B1 (family with sequence similarity 149 member B1; plus strand). Cytogenetic location: 10q22.2.
Variant type: single nucleotide variant.
Coding change: c.1482C>T on transcript NM_173348.2 (MANE Select); coding-DNA position 1482, C replaced by T.
Protein change: p.Pro494=; no amino-acid change (proline 494 retained).
Molecular consequence: synonymous variant.
Genome position (GRCh38, 1-based): chr10:73,235,198, C>T. VCF-style: chr10-73235198-C-T. GRCh37 (hg19) VCF-style: chr10-74994956-C-T.
Identifiers: ClinVar variation 2640587 (VCV002640587.24), dbSNP rs188430728, ClinGen allele CA5552960.

ClinVar aggregate classification (germline): Likely benign (1 of 4 stars; one submission).

Allele frequency attached by ClinVar (database versions not stated): gnomAD exomes 0.00040; gnomAD 0.00058; TOPMed 0.00065; 1000 Genomes Project 0.00120; 1000 Genomes Project 30x 0.00141; ExAC 0.00166.
gnomAD v4.1: 716 of 1,551,632 alleles (0.046%); highest among the groups gnomAD compares: Middle Eastern, 0.1%; 3 homozygotes.

Submission:

CeGaT Center for Human Genetics Tuebingen
Classification: Likely benign. Last evaluated: 2025-08-01. Review status: criteria provided, single submitter. Criteria: CeGaT Center For Human Genetics Tuebingen Variant Classification Criteria Version 2. Collection method: clinical testing. Allele origin: germline. Affected: yes. Observed: 4 variant alleles.
Comment: FAM149B1: BP4, BP7